The following is an entry in ClinVar:

NM_004863.4(SPTLC2):c.1453G>C (p.Glu485Gln)

Gene: SPTLC2 (serine palmitoyltransferase long chain base subunit 2; minus strand). Cytogenetic location: 14q24.3.
Variant type: single nucleotide variant.
Coding change: c.1453G>C on transcript NM_004863.4 (MANE Select); coding-DNA position 1453, G replaced by C.
Protein change: p.Glu485Gln; replaces glutamic acid 485 with glutamine.
Molecular consequence: missense variant.
Genome position (GRCh38, 1-based): chr14:77,518,154, C>G on the plus strand (G>C on the coding strand, the complement: SPTLC2 is on the minus strand). VCF-style: chr14-77518154-C-G. GRCh37 (hg19) VCF-style: chr14-77984497-C-G.
Other names: short protein forms E485Q.
Identifiers: ClinVar variation 1359085 (VCV001359085.8), dbSNP rs1317731653, ClinGen allele CA390700134.
Genomic context (GRCh38, chr14:77,518,154, plus strand): 5'-CAATAATTGGGGTGGCAGGAAATCCAACCACAACGACACCGATGTTCCGCTTCAGCATCT[C>G]CCGTCCAAAGGCGCTGCAAAGGGGAAAACAAGAACAGAAACCAGGAGGAGTGAAAAAGCA-3'
Protein context (NP_004854.1, residues 475-495): MPAKIGAFGR[Glu485Gln]MLKRNIGVVV

ClinVar aggregate classification (germline): Uncertain significance (1 of 4 stars; one submission).

Conditions:
Neuropathy, hereditary sensory and autonomic, type 1C. Also called: HSAN IC; HSN IC. Identifiers: Orphanet 36386, MedGen C3150896, MONDO:0013337, OMIM 613640.

Allele frequency attached by ClinVar (database versions not stated): gnomAD exomes below 0.00001; TOPMed below 0.00001.
gnomAD v4.1: 1 of 1,614,136 alleles (0.000062%); highest among the groups gnomAD compares: African/African-American, 0.0013%; no homozygotes.

Submission:

Labcorp Genetics (formerly Invitae), Labcorp
Classification: Uncertain significance for Neuropathy, hereditary sensory and autonomic, type 1C. Last evaluated: 2021-04-08. Review status: criteria provided, single submitter. Criteria: Invitae Variant Classification Sherloc (09022015). Collection method: clinical testing. Allele origin: germline.
Comment: In summary, the available evidence is currently insufficient to determine the role of this variant in disease. Therefore, it has been classified as a Variant of Uncertain Significance. Algorithms developed to predict the effect of missense changes on protein structure and function (SIFT, PolyPhen-2, Align-GVGD) all suggest that this variant is likely to be tolerated, but these predictions have not been confirmed by published functional studies and their clinical significance is uncertain. This variant has not been reported in the literature in individuals with SPTLC2-related conditions. This variant is not present in population databases (ExAC no frequency). This sequence change replaces glutamic acid with glutamine at codon 485 of the SPTLC2 protein (p.Glu485Gln). The glutamic acid residue is moderately conserved and there is a small physicochemical difference between glutamic acid and glutamine.